The following is an entry in ClinVar:

ClinVar aggregate classification (germline): Uncertain significance (1 of 4 stars; one submission).

Submission:

Labcorp Genetics (formerly Invitae), Labcorp
Classification: Uncertain significance. Last evaluated: 2024-10-16. Review status: criteria provided, single submitter. Criteria: Invitae Variant Classification Sherloc (09022015). Collection method: clinical testing. Allele origin: germline.
Comment: This sequence change replaces glutamic acid, which is acidic and polar, with aspartic acid, which is acidic and polar, at codon 715 of the ADCY5 protein (p.Glu715Asp). This variant is not present in population databases (gnomAD no frequency). This variant has not been reported in the literature in individuals affected with ADCY5-related conditions. Invitae Evidence Modeling of protein sequence and biophysical properties (such as structural, functional, and spatial information, amino acid conservation, physicochemical variation, residue mobility, and thermodynamic stability) has been performed for this missense variant. However, the output from this modeling did not meet the statistical confidence thresholds required to predict the impact of this variant on ADCY5 protein function. In summary, the available evidence is currently insufficient to determine the role of this variant in disease. Therefore, it has been classified as a Variant of Uncertain Significance.

NM_183357.3(ADCY5):c.2145A>C (p.Glu715Asp)

Gene: ADCY5 (adenylate cyclase 5; minus strand). Cytogenetic location: 3q21.1.
Variant type: single nucleotide variant.
Coding change: c.2145A>C on transcript NM_183357.3 (MANE Select); coding-DNA position 2145, A replaced by C.
Protein change: p.Glu715Asp; replaces glutamic acid 715 with aspartic acid.
Molecular consequence: missense variant.
Genome position (GRCh38, 1-based): chr3:123,319,785, T>G on the plus strand (A>C on the coding strand, the complement: ADCY5 is on the minus strand). VCF-style: chr3-123319785-T-G. GRCh37 (hg19) VCF-style: chr3-123038632-T-G.
Other names: c.1095A>C, p.Glu365Asp (NM_001199642.1); c.2145A>C, p.Glu715Asp (NM_001378259.1); short protein forms E365D, E715D.
Identifiers: ClinVar variation 2808367 (VCV002808367.3), dbSNP rs770419122, ClinGen allele CA354217974.
Genomic context (GRCh38, chr3:123,319,785, plus strand): 5'-CTCAGACCGAAGCCTATCAATGCTCCTGGCGTCAATGGCACGGCCCAGAAACTCATCCAC[T>G]TCATCCTCAGGGTTCGCACTCTCCTGGGCGTTCCTGGGGAGCAGAAGGCACGGGCGTGAG-3'
Protein context (NP_899200.1, residues 705-725): NAQESANPED[Glu715Asp]VDEFLGRAID